The following is an entry in ClinVar:

ClinVar aggregate classification (germline): Uncertain significance. Review status: criteria provided, multiple submitters, no conflicts (2 of 4 stars). 4 submissions from 4 submitters: Uncertain significance (4). Last evaluated 2026-02-11.

Conditions:
Polyps, multiple and recurrent inflammatory fibroid, gastrointestinal. Identifiers: MedGen C5193005, MONDO:0008285, OMIM 175510.
Gastrointestinal stromal tumor. Also called: Gastrointestinal stromal tumor, somatic; Gastrointestinal stroma tumor. Identifiers: Orphanet 44890, MedGen C0238198, MeSH D046152, MONDO:0011719, OMIM 606764, HP:0100723.
Hereditary cancer-predisposing syndrome. Also called: Neoplastic Syndromes, Hereditary; Hereditary Cancer Syndrome; Hereditary neoplastic syndrome; Tumor predisposition. Identifiers: Orphanet 140162, MedGen C0027672, MeSH D009386, MONDO:0015356.

Allele frequency attached by ClinVar (database versions not stated): gnomAD 0.00001; gnomAD exomes 0.00001; TOPMed 0.00002.
gnomAD v4.1: 5 of 1,614,048 alleles (0.00031%); highest among the groups gnomAD compares: Non-Finnish European, 0.00042%; no homozygotes.

Submissions (4):

St. Jude Molecular Pathology, St. Jude Children's Research Hospital
Classification: Uncertain significance for Polyps, multiple and recurrent inflammatory fibroid, gastrointestinal. Last evaluated: 2026-02-11. Review status: criteria provided, single submitter. Criteria: St. Jude Assertion Criteria 2020. Collection method: clinical testing. Allele origin: germline.
Comment: The PDGFRA c.94C>A p.(Pro32Thr) missense change is absent in gnomAD v2.1.1. The in silico tool REVEL is inconclusive about a pathogenic or benign effect of this variant on protein function, and to our knowledge functional studies have not been performed. To our knowledge, this variant has not been reported in individuals with PDGFRA-related conditions. In summary, the evidence currently available is insufficient to determine the clinical significance of this variant. It has therefore been classified as of uncertain significance.

Labcorp Genetics (formerly Invitae), Labcorp
Classification: Uncertain significance for Gastrointestinal stromal tumor. Last evaluated: 2026-01-26. Review status: criteria provided, single submitter. Criteria: Invitae Variant Classification Sherloc (09022015). Collection method: clinical testing. Allele origin: germline.
Comment: This sequence change replaces proline, which is neutral and non-polar, with threonine, which is neutral and polar, at codon 32 of the PDGFRA protein (p.Pro32Thr). This variant is not present in population databases (gnomAD no frequency). This variant has not been reported in the literature in individuals affected with PDGFRA-related conditions. ClinVar contains an entry for this variant (Variation ID: 407378). Invitae Evidence Modeling of protein sequence and biophysical properties (such as structural, functional, and spatial information, amino acid conservation, physicochemical variation, residue mobility, and thermodynamic stability) has been performed for this missense variant. However, the output from this modeling did not meet the statistical confidence thresholds required to predict the impact of this variant on PDGFRA protein function. In summary, the available evidence is currently insufficient to determine the role of this variant in disease. Therefore, it has been classified as a Variant of Uncertain Significance.

Ambry Genetics
Classification: Uncertain significance for Hereditary cancer-predisposing syndrome. Last evaluated: 2024-08-24. Review status: criteria provided, single submitter. Criteria: Ambry Variant Classification Scheme 2023. Collection method: clinical testing. Allele origin: germline.
Comment: The p.P32T variant (also known as c.94C>A), located in coding exon 2 of the PDGFRA gene, results from a C to A substitution at nucleotide position 94. The proline at codon 32 is replaced by threonine, an amino acid with highly similar properties. This amino acid position is conserved. In addition, the in silico prediction for this alteration is inconclusive. Since supporting evidence is limited at this time, the clinical significance of this alteration remains unclear.

Baylor Genetics
Classification: Uncertain significance for Polyps, multiple and recurrent inflammatory fibroid, gastrointestinal. Last evaluated: 2023-07-04. Review status: criteria provided, single submitter. Criteria: ACMG Guidelines, 2015. Collection method: clinical testing. Allele origin: unknown.

NM_006206.6(PDGFRA):c.94C>A (p.Pro32Thr)

Gene: PDGFRA (platelet derived growth factor receptor alpha; plus strand). Cytogenetic location: 4q12.
Variant type: single nucleotide variant.
Coding change: c.94C>A on transcript NM_006206.6 (MANE Select); coding-DNA position 94, C replaced by A.
Protein change: p.Pro32Thr; replaces proline 32 with threonine.
Molecular consequence: missense variant.
Genome position (GRCh38, 1-based): chr4:54,261,139, C>A. VCF-style: chr4-54261139-C-A. GRCh37 (hg19) VCF-style: chr4-55127306-C-A.
Other names: c.94C>A, p.Pro32Thr (NM_001347827.2, NM_001347829.2); c.169C>A, p.Pro57Thr (NM_001347828.2); c.133C>A, p.Pro45Thr (NM_001347830.2); short protein forms P32T, P45T, P57T.
Identifiers: ClinVar variation 407378 (VCV000407378.13), dbSNP rs936241714, ClinGen allele CA16611453.